The following is an entry in ClinVar:

NM_001394372.1(BICRA):c.2603C>T (p.Pro868Leu)

Gene: BICRA (BRD4 interacting chromatin remodeling complex associated protein; plus strand). Cytogenetic location: 19q13.33.
Variant type: single nucleotide variant.
Coding change: c.2603C>T on transcript NM_001394372.1 (MANE Select); coding-DNA position 2603, C replaced by T.
Protein change: p.Pro868Leu; replaces proline 868 with leucine.
Molecular consequence: missense variant.
Genome position (GRCh38, 1-based): chr19:47,694,434, C>T. VCF-style: chr19-47694434-C-T. GRCh37 (hg19) VCF-style: chr19-48197691-C-T.
Other names: c.2603C>T, p.Pro868Leu (NM_015711.3); short protein forms P868L.
Identifiers: ClinVar variation 2512118 (VCV002512118.3), dbSNP rs778326533, ClinGen allele CA9541938.
Genomic context (GRCh38, chr19:47,694,434, plus strand): 5'-GCAACCCGGCCCCTACTGCCCCAGGCCCGCCGCAGCCGCCTCTCCGCCCCCAGTCCCAGC[C>T]GCCTGAGGGACCGCTGCCCCCAGCCCCCCACCTCCCTCCATCCTCCACCTCCTCTGCTGT-3'
Protein context (NP_001381301.1, residues 858-878): PQPPLRPQSQ[Pro868Leu]PEGPLPPAPH

ClinVar aggregate classification (germline): Uncertain significance. Review status: criteria provided, multiple submitters, no conflicts (2 of 4 stars). 2 submissions from 2 submitters: Uncertain significance (2). Last evaluated 2024-06-07.

Conditions:
Coffin-Siris syndrome 12. Identifiers: MedGen C5444111, MONDO:0025699, OMIM 619325.

Allele frequency attached by ClinVar (database versions not stated): TOPMed below 0.00001; gnomAD 0.00001; gnomAD exomes 0.00001.
gnomAD v4.1: 18 of 1,107,046 alleles (0.0016%); highest among the groups gnomAD compares: South Asian, 0.0039%; no homozygotes.

Submissions (2):

Pittsburgh Clinical Genomics Laboratory, University of Pittsburgh Medical Center
Classification: Uncertain significance for Coffin-Siris syndrome 12. Last evaluated: 2024-06-07. Review status: criteria provided, single submitter. Criteria: ACMG Guidelines, 2015. Collection method: clinical testing. Allele origin: germline. Inheritance: Autosomal dominant inheritance. Affected: yes.
Comment: This sequence variant is a single nucleotide substitution (C>T) at position 2603 of the coding sequence of the BICRA gene that results in a proline to leucine amino acid change at residue 868 of the BRD4 interacting chromatin remodeling complex associated protein. This is a previously reported variant (ClinVar 2512118) that has not been observed in the literature in individuals affected by BICRA-related disease, to our knowledge. This variant is present in 18 of 1107046 alleles (0.001626%) in the gnomAD v4.1.0 population dataset. Multiple bioinformatic tools predict that this amino acid change would be neutral, and the Pro868 residue at this position is poorly conserved across the vertebrate species examined. Studies examining the functional consequence of this variant have not been published, to our knowledge. At this time, there is insufficient evidence to determine if this variant is pathogenic or benign. Therefore, we consider this a variant of uncertain significance. ACMG Criteria: BP4, PM2

Ambry Genetics
Classification: Uncertain significance. Last evaluated: 2023-04-05. Review status: criteria provided, single submitter. Criteria: Ambry Variant Classification Scheme 2023. Collection method: clinical testing. Allele origin: germline.